The following is an entry in ClinVar:

NM_173560.4(RFX6):c.2177G>A (p.Arg726Gln)

Gene: RFX6 (regulatory factor X6; plus strand). Cytogenetic location: 6q22.1.
Variant type: single nucleotide variant.
Coding change: c.2177G>A on transcript NM_173560.4 (MANE Select); coding-DNA position 2177, G replaced by A.
Protein change: p.Arg726Gln; replaces arginine 726 with glutamine.
Molecular consequence: missense variant.
Genome position (GRCh38, 1-based): chr6:116,927,318, G>A. VCF-style: chr6-116927318-G-A. GRCh37 (hg19) VCF-style: chr6-117248481-G-A.
Other names: short protein forms R726Q.
Identifiers: ClinVar variation 2223914 (VCV002223914.4), dbSNP rs377167820, ClinGen allele CA3973491.

ClinVar aggregate classification (germline): Conflicting classifications of pathogenicity. Review status: criteria provided, conflicting classifications (1 of 4 stars). 3 submissions from 3 submitters: Uncertain significance (2); Likely benign (1). Last evaluated 2026-07-19.

Conditions:
Inborn genetic diseases. Identifiers: MedGen C0950123, MeSH D030342.
RFX6-related disorder. Also called: RFX6-related condition.

Allele frequency attached by ClinVar (database versions not stated): TOPMed 0.00005; gnomAD 0.00006; ESP Exome Variant Server 0.00008; ExAC 0.00010.
gnomAD v4.1: 70 of 1,614,038 alleles (0.0043%); highest among the groups gnomAD compares: East Asian, 0.0022%; no homozygotes.

Submissions (3):

PreventionGenetics, part of Exact Sciences
Classification: Likely benign for RFX6-related condition. Last evaluated: 2026-07-19. Review status: criteria provided, single submitter. Criteria: ACMG Guidelines, 2015. Collection method: clinical testing. Allele origin: germline.
Comment: This variant is classified as likely benign based on ACMG/AMP sequence variant interpretation guidelines (Richards et al. 2015 PMID: 25741868, with internal and published modifications).

Labcorp Genetics (formerly Invitae), Labcorp
Classification: Uncertain significance. Last evaluated: 2026-01-13. Review status: criteria provided, single submitter. Criteria: Invitae Variant Classification Sherloc (09022015). Collection method: clinical testing. Allele origin: germline.
Comment: This sequence change replaces arginine, which is basic and polar, with glutamine, which is neutral and polar, at codon 726 of the RFX6 protein (p.Arg726Gln). This variant is present in population databases (rs377167820, gnomAD 0.2%). This variant has not been reported in the literature in individuals affected with RFX6-related conditions. ClinVar contains an entry for this variant (Variation ID: 2223914). Invitae Evidence Modeling of protein sequence and biophysical properties (such as structural, functional, and spatial information, amino acid conservation, physicochemical variation, residue mobility, and thermodynamic stability) indicates that this missense variant is not expected to disrupt RFX6 protein function with a negative predictive value of 80%. In summary, the available evidence is currently insufficient to determine the role of this variant in disease. Therefore, it has been classified as a Variant of Uncertain Significance.

Ambry Genetics
Classification: Uncertain significance for Inborn genetic diseases. Last evaluated: 2022-08-16. Review status: criteria provided, single submitter. Criteria: Ambry Variant Classification Scheme 2023. Collection method: clinical testing. Allele origin: germline.